The following is an entry in ClinVar:

NM_000321.3(RB1):c.1247T>C (p.Leu416Pro)

Gene: RB1 (RB transcriptional corepressor 1; plus strand). Cytogenetic location: 13q14.2.
Variant type: single nucleotide variant.
Coding change: c.1247T>C on transcript NM_000321.3 (MANE Select); coding-DNA position 1247, T replaced by C.
Protein change: p.Leu416Pro; replaces leucine 416 with proline.
Molecular consequence: missense variant.
Genome position (GRCh38, 1-based): chr13:48,376,949, T>C. VCF-style: chr13-48376949-T-C. GRCh37 (hg19) VCF-style: chr13-48951085-T-C.
Other names: c.1247T>C, p.Leu416Pro (NM_001407165.1, NM_001407166.1); short protein forms L416P.
Identifiers: ClinVar variation 2723437 (VCV002723437.4), dbSNP rs1299630954, ClinGen allele CA388162002.

ClinVar aggregate classification (germline): Uncertain significance. Review status: criteria provided, multiple submitters, no conflicts (2 of 4 stars). 2 submissions from 2 submitters: Uncertain significance (2). Last evaluated 2024-01-19.

Conditions:
Retinoblastoma (RB1). Also called: RETINOBLASTOMA, SOMATIC. Identifiers: Orphanet 790, MedGen C0035335, MeSH D012175, MONDO:0008380, OMIM 180200, HP:0009919. Disease mechanism: loss of function. Inheritance: Both sporadic and heritable forms are tested..
Hereditary cancer-predisposing syndrome. Also called: Neoplastic Syndromes, Hereditary; Tumor predisposition; Hereditary neoplastic syndrome; Hereditary Cancer Syndrome. Identifiers: Orphanet 140162, MedGen C0027672, MeSH D009386, MONDO:0015356.

Allele frequency attached by ClinVar (database versions not stated): gnomAD exomes below 0.00001.
gnomAD v4.1: 1 of 1,613,788 alleles (0.000062%); highest among the groups gnomAD compares: Non-Finnish European, 0.000085%; no homozygotes.

Submissions (2):

Ambry Genetics
Classification: Uncertain significance for Hereditary cancer-predisposing syndrome. Last evaluated: 2024-01-19. Review status: criteria provided, single submitter. Criteria: Ambry Variant Classification Scheme 2023. Collection method: clinical testing. Allele origin: germline.
Comment: The p.L416P variant (also known as c.1247T>C), located in coding exon 13 of the RB1 gene, results from a T to C substitution at nucleotide position 1247. The leucine at codon 416 is replaced by proline, an amino acid with similar properties. This amino acid position is conserved. In addition, this alteration is predicted to be deleterious by in silico analysis. Based on the available evidence, the clinical significance of this alteration remains unclear.

Labcorp Genetics (formerly Invitae), Labcorp
Classification: Uncertain significance for Retinoblastoma. Last evaluated: 2023-08-09. Review status: criteria provided, single submitter. Criteria: Invitae Variant Classification Sherloc (09022015). Collection method: clinical testing. Allele origin: germline.
Comment: This sequence change replaces leucine, which is neutral and non-polar, with proline, which is neutral and non-polar, at codon 416 of the RB1 protein (p.Leu416Pro). This variant is present in population databases (no rsID available, gnomAD 0.0009%). In summary, the available evidence is currently insufficient to determine the role of this variant in disease. Therefore, it has been classified as a Variant of Uncertain Significance. Advanced modeling of protein sequence and biophysical properties (such as structural, functional, and spatial information, amino acid conservation, physicochemical variation, residue mobility, and thermodynamic stability) has been performed at Invitae for this missense variant, however the output from this modeling did not meet the statistical confidence thresholds required to predict the impact of this variant on RB1 protein function. This variant has not been reported in the literature in individuals affected with RB1-related conditions.